The following is an entry in ClinVar:

ClinVar aggregate classification (germline): Uncertain significance. Review status: criteria provided, multiple submitters, no conflicts (2 of 4 stars). 2 submissions from 2 submitters: Uncertain significance (2). Last evaluated 2024-05-02.

Submissions (2):

GeneDx
Classification: Uncertain significance. Last evaluated: 2024-05-02. Review status: criteria provided, single submitter. Criteria: GeneDx Variant Classification Process June 2021. Collection method: clinical testing. Allele origin: germline. Affected: yes.
Comment: Not observed at significant frequency in large population cohorts (gnomAD); In silico analysis indicates that this missense variant does not alter protein structure/function; Has not been previously published as pathogenic or benign to our knowledge

Labcorp Genetics (formerly Invitae), Labcorp
Classification: Uncertain significance. Last evaluated: 2024-03-14. Review status: criteria provided, single submitter. Criteria: Invitae Variant Classification Sherloc (09022015). Collection method: clinical testing. Allele origin: germline.
Comment: This sequence change replaces serine, which is neutral and polar, with proline, which is neutral and non-polar, at codon 316 of the ADNP protein (p.Ser316Pro). This variant is not present in population databases (gnomAD no frequency). This variant has not been reported in the literature in individuals affected with ADNP-related conditions. ClinVar contains an entry for this variant (Variation ID: 1719963). An algorithm developed to predict the effect of missense changes on protein structure and function (PolyPhen-2) suggests that this variant is likely to be tolerated. In summary, the available evidence is currently insufficient to determine the role of this variant in disease. Therefore, it has been classified as a Variant of Uncertain Significance.

NM_001282531.3(ADNP):c.946T>C (p.Ser316Pro)

Gene: ADNP (activity dependent neuroprotector homeobox; minus strand). Cytogenetic location: 20q13.13.
Variant type: single nucleotide variant.
Coding change: c.946T>C on transcript NM_001282531.3 (MANE Select); coding-DNA position 946, T replaced by C.
Protein change: p.Ser316Pro; replaces serine 316 with proline.
Molecular consequence: missense variant.
Genome position (GRCh38, 1-based): chr20:50,893,768, A>G on the plus strand (T>C on the coding strand, the complement: ADNP is on the minus strand). VCF-style: chr20-50893768-A-G. GRCh37 (hg19) VCF-style: chr20-49510305-A-G.
Other names: c.946T>C, p.Ser316Pro (NM_001282532.2, NM_001347511.2, NM_015339.5 and 1 more transcripts); c.946T>C (NM_015339.2); short protein forms S316P.
Identifiers: ClinVar variation 1719963 (VCV001719963.7), dbSNP rs2515588529, ClinGen allele CA408974972.